The following is an entry in ClinVar:

ClinVar aggregate classification (germline): Uncertain significance (1 of 4 stars; one submission).

Allele frequency attached by ClinVar (database versions not stated): gnomAD exomes below 0.00001.

Submission:

Labcorp Genetics (formerly Invitae), Labcorp
Classification: Uncertain significance. Last evaluated: 2022-07-25. Review status: criteria provided, single submitter. Criteria: Invitae Variant Classification Sherloc (09022015). Collection method: clinical testing. Allele origin: germline.
Comment: In summary, the available evidence is currently insufficient to determine the role of this variant in disease. Therefore, it has been classified as a Variant of Uncertain Significance. Variants that disrupt the consensus splice site are a relatively common cause of aberrant splicing (PMID: 17576681, 9536098). Algorithms developed to predict the effect of sequence changes on RNA splicing suggest that this variant is not likely to affect RNA splicing. ClinVar contains an entry for this variant (Variation ID: 933824). This variant has not been reported in the literature in individuals affected with CWC27-related conditions. This variant is present in population databases (no rsID available, gnomAD 0.007%). This sequence change falls in intron 10 of the CWC27 gene. It does not directly change the encoded amino acid sequence of the CWC27 protein. It affects a nucleotide within the consensus splice site.

Literature cited by the submitters: PubMed 17576681; PubMed 9536098.

NM_005869.4(CWC27):c.938+4A>T

Gene: CWC27 (CWC27 spliceosome associated cyclophilin; plus strand). Cytogenetic location: 5q12.3.
Variant type: single nucleotide variant.
Coding change: c.938+4A>T on transcript NM_005869.4 (MANE Select); 4 bases into the intron after coding-DNA position 938, A replaced by T.
Molecular consequence: intron variant.
Genome position (GRCh38, 1-based): chr5:64,804,390, A>T. VCF-style: chr5-64804390-A-T. GRCh37 (hg19) VCF-style: chr5-64100217-A-T.
Other names: c.938+4A>T (NM_001297644.1, NM_001364478.1, NM_001318000.2 and 1 more transcripts).
Identifiers: ClinVar variation 933824 (VCV000933824.7), dbSNP rs1417339130, ClinGen allele CA559827128.
Genomic context (GRCh38, chr5:64,804,390, plus strand): 5'-TGCGAATGTTAAATCAGCTGGAGAAGGAGAAGTGGAGAAGAAATCAGTCAGCCGCAGGTG[A>T]GTCAGTTACTGTGCTAGATATCAGAGTTTTTGTCTTTTTATATTTCACTTTAATTCAGAT-3'